The following is an entry in ClinVar:

NM_001065.4(TNFRSF1A):c.1234C>G (p.Pro412Ala)

Gene: TNFRSF1A (TNF receptor superfamily member 1A; minus strand). Cytogenetic location: 12p13.31.
Variant type: single nucleotide variant.
Coding change: c.1234C>G on transcript NM_001065.4 (MANE Select); coding-DNA position 1234, C replaced by G.
Protein change: p.Pro412Ala; replaces proline 412 with alanine.
Molecular consequence: missense variant. On other transcripts: non-coding transcript variant (1).
Genome position (GRCh38, 1-based): chr12:6,329,446, G>C on the plus strand (C>G on the coding strand, the complement: TNFRSF1A is on the minus strand). VCF-style: chr12-6329446-G-C. GRCh37 (hg19) VCF-style: chr12-6438612-G-C.
Other names: c.910C>G, p.Pro304Ala (NM_001346091.2); c.775C>G, p.Pro259Ala (NM_001346092.2); short protein forms P412A, P259A, P304A.
Identifiers: ClinVar variation 234721 (VCV000234721.2), dbSNP rs876661181, ClinGen allele CA10577452.

ClinVar aggregate classification (germline): Uncertain significance (1 of 4 stars; one submission).

Allele frequency attached by ClinVar (database versions not stated): gnomAD exomes below 0.00001.
gnomAD v4.1: 1 of 1,587,752 alleles (0.000063%); highest among the groups gnomAD compares: Non-Finnish European, 0.000085%; no homozygotes.

Submission:

GeneDx
Classification: Uncertain significance. Last evaluated: 2016-01-14. Review status: criteria provided, single submitter. Criteria: GeneDx Variant Classification (06012015). Collection method: clinical testing. Allele origin: germline. Affected: yes.
Comment: To our knowledge, the P412A variant has not been published as a pathogenic variant, nor has it been reported as a benign variant. It was not observed in approximately 6,300 individuals of European and African American ancestry in the NHLBI Exome Sequencing Project, indicating it is not a common benign variant in these populations. The P412A variant is a semi-conservative amino acid substitution, which may impact secondary protein structure as these residues differ in some properties. This substitution occurs at a position that is conserved in mammals. However, in-silico analysis is inconsistent in its predictions as to whether or not the variant is damaging to the protein structure/function. Therefore, based on the currently available information, it is unclear whether this variant is a pathogenic variant or a rare benign variant.